The following is an entry in ClinVar:

NM_016058.5(TPRKB):c.50T>C (p.Leu17Pro)

Gene: TPRKB (TP53RK binding protein; minus strand). Cytogenetic location: 2p13.1.
Variant type: single nucleotide variant.
Coding change: c.50T>C on transcript NM_016058.5 (MANE Select); coding-DNA position 50, T replaced by C.
Protein change: p.Leu17Pro; replaces leucine 17 with proline.
Molecular consequence: missense variant. On other transcripts: 5 prime UTR variant (1), intron variant (2).
Genome position (GRCh38, 1-based): chr2:73,734,520, A>G on the plus strand (T>C on the coding strand, the complement: TPRKB is on the minus strand). VCF-style: chr2-73734520-A-G. GRCh37 (hg19) VCF-style: chr2-73961647-A-G.
Other names: c.50T>C, p.Leu17Pro (NM_001330386.2, NM_001330387.2, NM_001330388.2 and 1 more transcripts); c.-126T>C (NM_001330390.2); c.42+8T>C (NM_001330391.2, NM_001330392.2); short protein forms L17P.
Identifiers: ClinVar variation 3725047 (VCV003725047.2).
Genomic context (GRCh38, chr2:73,734,520, plus strand): 5'-GTGCCTTCCATGGCCTTTCTTCTCAAGTCTCCCGCATTTTTTACATCTTTAAATAACAGA[A>G]GGGTTACCCTGCATTCGGGAAATAGGTCCAGCTGATGTGTTAACTGCATTTCACAGATAA-3'
Protein context (NP_057142.1, residues 7-27): LDLFPECRVT[Leu17Pro]LLFKDVKNAG

ClinVar aggregate classification (germline): Uncertain significance (1 of 4 stars; one submission).

gnomAD v4.1: 2 of 1,613,892 alleles (0.00012%); highest among the groups gnomAD compares: Non-Finnish European, 0.000085%; no homozygotes.

Submission:

Labcorp Genetics (formerly Invitae), Labcorp
Classification: Uncertain significance. Last evaluated: 2024-12-04. Review status: criteria provided, single submitter. Criteria: Invitae Variant Classification Sherloc (09022015). Collection method: clinical testing. Allele origin: germline.
Comment: This sequence change replaces leucine, which is neutral and non-polar, with proline, which is neutral and non-polar, at codon 17 of the TPRKB protein (p.Leu17Pro). This variant is not present in population databases (gnomAD no frequency). This variant has not been reported in the literature in individuals affected with TPRKB-related conditions. An algorithm developed to predict the effect of missense changes on protein structure and function (PolyPhen-2) suggests that this variant is likely to be disruptive. In summary, the available evidence is currently insufficient to determine the role of this variant in disease. Therefore, it has been classified as a Variant of Uncertain Significance.